The following is an entry in ClinVar:

ClinVar aggregate classification (germline): Uncertain significance. Review status: criteria provided, single submitter (1 of 4 stars). 3 submissions from 2 submitters: Uncertain significance (2). 1 of the submissions does not count toward it. Last evaluated 2018-01-12.

Conditions:
Obesity. Also called: Obesity disorder. Identifiers: Orphanet 71529, MedGen C0028754, MeSH D009765, MONDO:0011122, HP:0001513.
POMC-related disorder. Also called: POMC-related disorders; POMC-related condition.
Obesity due to pro-opiomelanocortin deficiency. Also called: Obesity, adrenal insufficiency, and red hair due to POMC deficiency; OBESITY, EARLY-ONSET, WITH ADRENAL INSUFFICIENCY AND RED HAIR; PROOPIOMELANOCORTIN DEFICIENCY. Identifiers: Orphanet 71526, MedGen C1857854, MONDO:0012335, OMIM 609734.

Allele frequency attached by ClinVar (database versions not stated): ExAC 0.00001; gnomAD 0.00001; gnomAD exomes 0.00001; TOPMed 0.00002.
gnomAD v4.1: 14 of 1,613,590 alleles (0.00087%); highest among the groups gnomAD compares: Non-Finnish European, 0.0011%; no homozygotes.

Submissions (3):

Illumina Laboratory Services, Illumina
Classification: Uncertain significance for Obesity due to pro-opiomelanocortin deficiency. Last evaluated: 2018-01-12. Review status: criteria provided, single submitter. Criteria: ICSL Variant Classification Criteria 13 December 2019. Collection method: clinical testing. Allele origin: germline.

Illumina Laboratory Services, Illumina
Classification: Uncertain significance for Inherited obesity. Last evaluated: 2018-01-12. Review status: criteria provided, single submitter. Criteria: ICSL Variant Classification Criteria 13 December 2019. Collection method: clinical testing. Allele origin: germline.

PreventionGenetics, part of Exact Sciences
Classification: Uncertain significance for POMC-related condition. Last evaluated: 2024-02-07. Review status: no assertion criteria provided. Collection method: clinical testing. Allele origin: germline. Not counted in ClinVar's aggregate classification.
Comment: The POMC c.4C>T variant is predicted to result in the amino acid substitution p.Pro2Ser. To our knowledge, this variant has not been reported in the literature. This variant is reported in 0.0018% of alleles in individuals of European (Non-Finnish) descent in gnomAD. At this time, the clinical significance of this variant is uncertain due to the absence of conclusive functional and genetic evidence.

NM_000939.4(POMC):c.4C>T (p.Pro2Ser)

Gene: POMC (proopiomelanocortin; minus strand). Cytogenetic location: 2p23.3.
Variant type: single nucleotide variant.
Coding change: c.4C>T on transcript NM_000939.4 (MANE Select); coding-DNA position 4, C replaced by T.
Protein change: p.Pro2Ser; replaces proline 2 with serine.
Molecular consequence: missense variant.
Genome position (GRCh38, 1-based): chr2:25,164,769, G>A on the plus strand (C>T on the coding strand, the complement: POMC is on the minus strand). VCF-style: chr2-25164769-G-A. GRCh37 (hg19) VCF-style: chr2-25387638-G-A.
Other names: c.4C>T (NM_000939.3); c.4C>T, p.Pro2Ser (NM_001035256.3, NM_001319204.2, NM_001319205.2); short protein forms P2S.
Identifiers: ClinVar variation 335359 (VCV000335359.6), dbSNP rs752925315, ClinGen allele CA1555431.